The following is an entry in ClinVar:

ClinVar aggregate classification (germline): Uncertain significance (1 of 4 stars; one submission).

Conditions:
Inborn genetic diseases. Identifiers: MedGen C0950123, MeSH D030342.

Submission:

Ambry Genetics
Classification: Uncertain significance for Inborn genetic diseases. Last evaluated: 2024-06-12. Review status: criteria provided, single submitter. Criteria: Ambry Variant Classification Scheme 2023. Collection method: clinical testing. Allele origin: germline.
Comment: The p.R514G variant (also known as c.1540C>G), located in coding exon 11 of the ACD gene, results from a C to G substitution at nucleotide position 1540. The arginine at codon 514 is replaced by glycine, an amino acid with dissimilar properties. This amino acid position is conserved. In addition, this alteration is predicted to be tolerated by in silico analysis. Based on the available evidence, the clinical significance of this variant remains unclear.

NM_001082486.2(ACD):c.1282C>G (p.Arg428Gly)

Gene: ACD (ACD shelterin complex subunit and telomerase recruitment factor; minus strand). Cytogenetic location: 16q22.1.
Variant type: single nucleotide variant.
Coding change: c.1282C>G on transcript NM_001082486.2 (MANE Select); coding-DNA position 1282, C replaced by G.
Protein change: p.Arg428Gly; replaces arginine 428 with glycine.
Molecular consequence: missense variant.
Genome position (GRCh38, 1-based): chr16:67,657,778, G>C on the plus strand (C>G on the coding strand, the complement: ACD is on the minus strand). VCF-style: chr16-67657778-G-C. GRCh37 (hg19) VCF-style: chr16-67691681-G-C.
Other names: c.1195C>G, p.Arg399Gly (NM_001410884.1); c.1273C>G, p.Arg425Gly (NM_022914.3); short protein forms R399G, R425G, R428G.
Identifiers: ClinVar variation 3261563 (VCV003261563.1).